The following is an entry in ClinVar:

NM_001166108.2(PALLD):c.2572T>A (p.Ser858Thr)

Genes: CBR4 (carbonyl reductase 4; minus strand), PALLD (palladin, cytoskeletal associated protein; plus strand). Cytogenetic location: 4q32.3.
Variant type: single nucleotide variant.
Coding change: c.2572T>A on transcript NM_001166108.2 (MANE Select); coding-DNA position 2572, T replaced by A.
Protein change: p.Ser858Thr; replaces serine 858 with threonine.
Molecular consequence: missense variant.
Genome position (GRCh38, 1-based): chr4:168,903,856, T>A. VCF-style: chr4-168903856-T-A. GRCh37 (hg19) VCF-style: chr4-169825007-T-A.
Other names: c.1375T>A, p.Ser459Thr (NM_001166109.2); c.1060T>A, p.Ser354Thr (NM_001166110.2); c.400T>A, p.Ser134Thr (NM_001367567.1, NM_001367569.1); c.451T>A, p.Ser151Thr (NM_001367568.1, NM_001367570.1); c.2521T>A, p.Ser841Thr (NM_016081.4); short protein forms S858T, S151T, S354T, S459T, S841T, S134T.
Identifiers: ClinVar variation 3304117 (VCV003304117.1).

ClinVar aggregate classification (germline): Uncertain significance (1 of 4 stars; one submission).

Submission:

Ambry Genetics
Classification: Uncertain significance. Last evaluated: 2024-06-10. Review status: criteria provided, single submitter. Criteria: Ambry Variant Classification Scheme 2023. Collection method: clinical testing. Allele origin: germline.
Comment: The p.S841T variant (also known as c.2521T>A), located in coding exon 13 of the PALLD gene, results from a T to A substitution at nucleotide position 2521. The serine at codon 841 is replaced by threonine, an amino acid with similar properties. This amino acid position is conserved. In addition, this alteration is predicted to be tolerated by in silico analysis. Based on the available evidence, the clinical significance of this variant remains unclear.